The following is an entry in ClinVar:

ClinVar aggregate classification (germline): Uncertain significance (1 of 4 stars; one submission).

Submission:

GeneDx
Classification: Uncertain significance. Last evaluated: 2024-11-05. Review status: criteria provided, single submitter. Criteria: GeneDx Variant Classification Process June 2021. Collection method: clinical testing. Allele origin: germline. Affected: yes.
Comment: Nonsense variant predicted to result in protein truncation or nonsense mediated decay in a gene or region of a gene for which loss of function is not a well-established mechanism of disease; Has not been previously published as pathogenic or benign to our knowledge

NM_001377304.1(GFI1B):c.259C>T (p.Arg87Ter)

Gene: GFI1B (growth factor independent 1B transcriptional repressor; plus strand). Cytogenetic location: 9q34.13.
Variant type: single nucleotide variant.
Coding change: c.259C>T on transcript NM_001377304.1 (MANE Select); coding-DNA position 259, C replaced by T.
Protein change: p.Arg87Ter; replaces arginine 87 with a stop codon.
Molecular consequence: nonsense.
Genome position (GRCh38, 1-based): chr9:132,988,217, C>T. VCF-style: chr9-132988217-C-T. GRCh37 (hg19) VCF-style: chr9-135863604-C-T.
Other names: c.259C>T, p.Arg87Ter (NM_001135031.2, NM_001371908.1, NM_001377305.1 and 1 more transcripts); short protein forms R87*.
Identifiers: ClinVar variation 3897159 (VCV003897159.1).